The following is an entry in ClinVar:

ClinVar aggregate classification (germline): Uncertain significance (1 of 4 stars; one submission).

Allele frequency attached by ClinVar (database versions not stated): ExAC 0.00001; gnomAD 0.00001; gnomAD exomes 0.00001; TOPMed 0.00001; ESP Exome Variant Server 0.00008.
gnomAD v4.1: 16 of 1,613,402 alleles (0.00099%); highest among the groups gnomAD compares: Non-Finnish European, 0.0014%; no homozygotes.

Submission:

Labcorp Genetics (formerly Invitae), Labcorp
Classification: Uncertain significance. Last evaluated: 2025-11-13. Review status: criteria provided, single submitter. Criteria: Invitae Variant Classification Sherloc (09022015). Collection method: clinical testing. Allele origin: germline.
Comment: This sequence change replaces alanine, which is neutral and non-polar, with threonine, which is neutral and polar, at codon 118 of the STAT4 protein (p.Ala118Thr). This variant is present in population databases (rs372012413, gnomAD 0.002%). This variant has not been reported in the literature in individuals affected with STAT4-related conditions. ClinVar contains an entry for this variant (Variation ID: 1379209). Invitae Evidence Modeling of protein sequence and biophysical properties (such as structural, functional, and spatial information, amino acid conservation, physicochemical variation, residue mobility, and thermodynamic stability) indicates that this missense variant is not expected to disrupt STAT4 protein function with a negative predictive value of 80%. In summary, the available evidence is currently insufficient to determine the role of this variant in disease. Therefore, it has been classified as a Variant of Uncertain Significance.

NM_003151.4(STAT4):c.352G>A (p.Ala118Thr)

Gene: STAT4 (signal transducer and activator of transcription 4; minus strand). Cytogenetic location: 2q32.2.
Variant type: single nucleotide variant.
Coding change: c.352G>A on transcript NM_003151.4 (MANE Select); coding-DNA position 352, G replaced by A.
Protein change: p.Ala118Thr; replaces alanine 118 with threonine.
Molecular consequence: missense variant.
Genome position (GRCh38, 1-based): chr2:191,076,247, C>T on the plus strand (G>A on the coding strand, the complement: STAT4 is on the minus strand). VCF-style: chr2-191076247-C-T. GRCh37 (hg19) VCF-style: chr2-191940973-C-T.
Other names: c.352G>A, p.Ala118Thr (NM_001243835.2); short protein forms A118T.
Identifiers: ClinVar variation 1379209 (VCV001379209.8), dbSNP rs372012413, ClinGen allele CA2030919.